The following is an entry in ClinVar:

NM_001122955.4(BSCL2):c.445C>A (p.Pro149Thr)

Genes: BSCL2 (BSCL2 lipid droplet biogenesis associated, seipin; minus strand), HNRNPUL2-BSCL2 (HNRNPUL2-BSCL2 readthrough (NMD candidate); minus strand). Cytogenetic location: 11q12.3.
Variant type: single nucleotide variant.
Coding change: c.445C>A on transcript NM_001122955.4 (MANE Select); coding-DNA position 445, C replaced by A.
Protein change: p.Pro149Thr; replaces proline 149 with threonine.
Molecular consequence: missense variant. On other transcripts: non-coding transcript variant (1).
Genome position (GRCh38, 1-based): chr11:62,702,509, G>T on the plus strand (C>A on the coding strand, the complement: BSCL2 is on the minus strand). VCF-style: chr11-62702509-G-T. GRCh37 (hg19) VCF-style: chr11-62469981-G-T.
Other names: c.253C>A, p.Pro85Thr (NM_001130702.2, NM_032667.6); c.445C>A, p.Pro149Thr (NM_001386027.1, NM_001386028.1); short protein forms P85T, P149T.
Identifiers: ClinVar variation 2805883 (VCV002805883.3), dbSNP rs1554985014, ClinGen allele CA380968489.

ClinVar aggregate classification (germline): Uncertain significance (1 of 4 stars; one submission).

Conditions:
Charcot-Marie-Tooth disease type 2. Also called: Charcot-Marie-Tooth type 2. Identifiers: Orphanet 64746, MedGen C0270914, MONDO:0018993.

Submission:

Labcorp Genetics (formerly Invitae), Labcorp
Classification: Uncertain significance for Charcot-Marie-Tooth disease type 2. Last evaluated: 2023-01-03. Review status: criteria provided, single submitter. Criteria: Invitae Variant Classification Sherloc (09022015). Collection method: clinical testing. Allele origin: germline.
Comment: This sequence change replaces proline, which is neutral and non-polar, with threonine, which is neutral and polar, at codon 85 of the BSCL2 protein (p.Pro85Thr). This variant is not present in population databases (gnomAD no frequency). This variant has not been reported in the literature in individuals affected with BSCL2-related conditions. Advanced modeling of protein sequence and biophysical properties (such as structural, functional, and spatial information, amino acid conservation, physicochemical variation, residue mobility, and thermodynamic stability) performed at Invitae indicates that this missense variant is expected to disrupt BSCL2 protein function. In summary, the available evidence is currently insufficient to determine the role of this variant in disease. Therefore, it has been classified as a Variant of Uncertain Significance.